The following is an entry in ClinVar:

ClinVar aggregate classification (germline): Uncertain significance (1 of 4 stars; one submission).

Conditions:
Coffin-Siris syndrome 11. Identifiers: MedGen C5241442, MONDO:0032912, OMIM 618779.

Submission:

Laboratorio de Genetica e Diagnostico Molecular, Hospital Israelita Albert Einstein
Classification: Uncertain significance for Coffin-Siris syndrome 11. Last evaluated: 2024-11-14. Review status: criteria provided, single submitter. Criteria: ACMG Guidelines, 2015. Collection method: clinical testing. Allele origin: germline. Affected: yes.
Comment: ACMG classification criteria: PM2 supporting, BP4 supporting

NM_003076.5(SMARCD1):c.1072C>T (p.Pro358Ser)

Gene: SMARCD1 (SWI/SNF related BAF chromatin remodeling complex subunit D1; plus strand). Cytogenetic location: 12q13.12.
Variant type: single nucleotide variant.
Coding change: c.1072C>T on transcript NM_003076.5 (MANE Select); coding-DNA position 1072, C replaced by T.
Protein change: p.Pro358Ser; replaces proline 358 with serine.
Molecular consequence: missense variant.
Genome position (GRCh38, 1-based): chr12:50,090,529, C>T. VCF-style: chr12-50090529-C-T. GRCh37 (hg19) VCF-style: chr12-50484312-C-T.
Other names: c.1072C>T, p.Pro358Ser (NM_139071.3); short protein forms P358S.
Identifiers: ClinVar variation 4076187 (VCV004076187.1).